The following is an entry in ClinVar:

NM_001378452.1(ITPR1):c.6463G>A (p.Ala2155Thr)

Gene: ITPR1 (inositol 1,4,5-trisphosphate receptor type 1; plus strand). Cytogenetic location: 3p26.1.
Variant type: single nucleotide variant.
Coding change: c.6463G>A on transcript NM_001378452.1 (MANE Select); coding-DNA position 6463, G replaced by A.
Protein change: p.Ala2155Thr; replaces alanine 2155 with threonine.
Molecular consequence: missense variant.
Genome position (GRCh38, 1-based): chr3:4,782,694, G>A. VCF-style: chr3-4782694-G-A. GRCh37 (hg19) VCF-style: chr3-4824378-G-A.
Other names: c.6274G>A (NM_002222.5); c.6319G>A, p.Ala2107Thr (NM_001099952.4); c.6418G>A, p.Ala2140Thr (NM_001168272.2); c.6274G>A, p.Ala2092Thr (NM_002222.7); short protein forms A2140T, A2092T, A2107T, A2155T.
Identifiers: ClinVar variation 2092596 (VCV002092596.5), dbSNP rs749399233, ClinGen allele CA2232602.
Genomic context (GRCh38, chr3:4,782,694, plus strand): 5'-AAAGCCTACATGCAAGGTGAAGTGGAATTTGAGGATGGAGAAAACGGTGAGGATGGGGCG[G>A]CGTCCCCCAGGAACGTGGGGCACAACATCTACATATTAGCCCATCAGGTATGATCTCTCC-3'
Protein context (NP_001365381.1, residues 2145-2165): EDGENGEDGA[Ala2155Thr]SPRNVGHNIY

ClinVar aggregate classification (germline): Uncertain significance. Review status: criteria provided, multiple submitters, no conflicts (2 of 4 stars). 2 submissions from 2 submitters: Uncertain significance (2). Last evaluated 2025-01-30.

Allele frequency attached by ClinVar (database versions not stated): gnomAD exomes 0.00001; ExAC 0.00003.
gnomAD v4.1: 4 of 1,597,430 alleles (0.00025%); highest among the groups gnomAD compares: Admixed American, 0.0068%; no homozygotes.

Submissions (2):

GeneDx
Classification: Uncertain significance. Last evaluated: 2025-01-30. Review status: criteria provided, single submitter. Criteria: GeneDx Variant Classification Process June 2021. Collection method: clinical testing. Allele origin: germline. Affected: yes.
Comment: In silico analysis indicates that this missense variant does not alter protein structure/function; Has not been previously published as pathogenic or benign to our knowledge

Labcorp Genetics (formerly Invitae), Labcorp
Classification: Uncertain significance. Last evaluated: 2022-09-07. Review status: criteria provided, single submitter. Criteria: Invitae Variant Classification Sherloc (09022015). Collection method: clinical testing. Allele origin: germline.
Comment: This variant has not been reported in the literature in individuals affected with ITPR1-related conditions. Algorithms developed to predict the effect of missense changes on protein structure and function are either unavailable or do not agree on the potential impact of this missense change (SIFT: "Deleterious"; PolyPhen-2: "Benign"; Align-GVGD: "Class C0"). In summary, the available evidence is currently insufficient to determine the role of this variant in disease. Therefore, it has been classified as a Variant of Uncertain Significance. This variant is present in population databases (rs749399233, gnomAD 0.01%). This sequence change replaces alanine, which is neutral and non-polar, with threonine, which is neutral and polar, at codon 2092 of the ITPR1 protein (p.Ala2092Thr).